The following is an entry in ClinVar:

NM_001256447.2(BCAP31):c.472A>G (p.Lys158Glu)

Gene: BCAP31 (B cell receptor associated protein 31; minus strand). Cytogenetic location: Xq28.
Variant type: single nucleotide variant.
Coding change: c.472A>G on transcript NM_001256447.2 (MANE Select); coding-DNA position 472, A replaced by G.
Protein change: p.Lys158Glu; replaces lysine 158 with glutamic acid.
Molecular consequence: missense variant.
Genome position (GRCh38, 1-based): chrX:153,703,964, T>C on the plus strand (A>G on the coding strand, the complement: BCAP31 is on the minus strand). VCF-style: chrX-153703964-T-C. GRCh37 (hg19) VCF-style: chrX-152969419-T-C.
Other names: c.472A>G, p.Lys158Glu (NM_001139441.1, NM_005745.8); c.673A>G, p.Lys225Glu (NM_001139457.2); short protein forms K158E, K225E.
Identifiers: ClinVar variation 1998190 (VCV001998190.4), dbSNP rs2522194635, ClinGen allele CA415093579.
Genomic context (GRCh38, chrX:153,703,964, plus strand): 5'-GCTCCCACAGTGTAACACCAGGACGCCCCATGGTGGGTCGGGAAGCTGGGCTCACCTTCT[T>C]GAGCTGGTCATTCTCCTCCATGTACTTCTTGGCCGCCTCACTAGCACTCTCCGCCTGCTT-3'
Protein context (NP_001243376.1, residues 148-168): KKYMEENDQL[Lys158Glu]KGAAVDGGKL

ClinVar aggregate classification (germline): Uncertain significance (1 of 4 stars; one submission).

Submission:

Labcorp Genetics (formerly Invitae), Labcorp
Classification: Uncertain significance. Last evaluated: 2022-09-06. Review status: criteria provided, single submitter. Criteria: Invitae Variant Classification Sherloc (09022015). Collection method: clinical testing. Allele origin: germline.
Comment: In summary, the available evidence is currently insufficient to determine the role of this variant in disease. Therefore, it has been classified as a Variant of Uncertain Significance. Algorithms developed to predict the effect of missense changes on protein structure and function (SIFT, PolyPhen-2, Align-GVGD) all suggest that this variant is likely to be tolerated. This variant has not been reported in the literature in individuals affected with BCAP31-related conditions. This variant is not present in population databases (gnomAD no frequency). This sequence change replaces lysine, which is basic and polar, with glutamic acid, which is acidic and polar, at codon 158 of the BCAP31 protein (p.Lys158Glu).